The following is an entry in ClinVar:

ClinVar aggregate classification (germline): Uncertain significance (1 of 4 stars; one submission).

Conditions:
Inborn genetic diseases. Identifiers: MedGen C0950123, MeSH D030342.

Submission:

Ambry Genetics
Classification: Uncertain significance for Inborn genetic diseases. Last evaluated: 2025-08-20. Review status: criteria provided, single submitter. Criteria: Ambry Variant Classification Scheme 2023. Collection method: clinical testing. Allele origin: germline.
Comment: The p.N147S variant (also known as c.440A>G), located in coding exon 6 of the ASXL1 gene, results from an A to G substitution at nucleotide position 440. The asparagine at codon 147 is replaced by serine, an amino acid with highly similar properties. This amino acid position is conserved. In addition, this alteration is predicted to be tolerated by in silico analysis. Based on the available evidence, the clinical significance of this variant remains unclear.

NM_015338.6(ASXL1):c.440A>G (p.Asn147Ser)

Gene: ASXL1 (ASXL transcriptional regulator 1; plus strand). Cytogenetic location: 20q11.21.
Variant type: single nucleotide variant.
Coding change: c.440A>G on transcript NM_015338.6 (MANE Select); coding-DNA position 440, A replaced by G.
Protein change: p.Asn147Ser; replaces asparagine 147 with serine.
Molecular consequence: missense variant.
Genome position (GRCh38, 1-based): chr20:32,428,391, A>G. VCF-style: chr20-32428391-A-G. GRCh37 (hg19) VCF-style: chr20-31016194-A-G.
Other names: c.410A>G, p.Asn137Ser (NM_001363734.1); short protein forms N147S, N137S.
Identifiers: ClinVar variation 4159003 (VCV004159003.1).